The following is an entry in ClinVar:

ClinVar aggregate classification (germline): Uncertain significance (1 of 4 stars; one submission).

Allele frequency attached by ClinVar (database versions not stated): TOPMed 0.00009; ExAC 0.00010; gnomAD 0.00011; gnomAD exomes 0.00011 and 0.00014.

Submission:

Labcorp Genetics (formerly Invitae), Labcorp
Classification: Uncertain significance. Last evaluated: 2025-11-16. Review status: criteria provided, single submitter. Criteria: Invitae Variant Classification Sherloc (09022015). Collection method: clinical testing. Allele origin: germline.
Comment: This sequence change replaces arginine, which is basic and polar, with tryptophan, which is neutral and slightly polar, at codon 789 of the TONSL protein (p.Arg789Trp). This variant is present in population databases (rs751594566, gnomAD 0.03%). This variant has not been reported in the literature in individuals affected with TONSL-related conditions. ClinVar contains an entry for this variant (Variation ID: 1415335). Invitae Evidence Modeling of protein sequence and biophysical properties (such as structural, functional, and spatial information, amino acid conservation, physicochemical variation, residue mobility, and thermodynamic stability) indicates that this missense variant is not expected to disrupt TONSL protein function with a negative predictive value of 80%. In summary, the available evidence is currently insufficient to determine the role of this variant in disease. Therefore, it has been classified as a Variant of Uncertain Significance.

NM_013432.5(TONSL):c.2365C>T (p.Arg789Trp)

Genes: TONSL (tonsoku like, DNA repair protein; minus strand), TONSL-AS1 (TONSL antisense RNA 1; plus strand). Cytogenetic location: 8q24.3.
Variant type: single nucleotide variant.
Coding change: c.2365C>T on transcript NM_013432.5 (MANE Select); coding-DNA position 2365, C replaced by T.
Protein change: p.Arg789Trp; replaces arginine 789 with tryptophan.
Molecular consequence: missense variant.
Genome position (GRCh38, 1-based): chr8:144,436,068, G>A on the plus strand (C>T on the coding strand, the complement: TONSL is on the minus strand). VCF-style: chr8-144436068-G-A. GRCh37 (hg19) VCF-style: chr8-145661451-G-A.
Other names: short protein forms R789W.
Identifiers: ClinVar variation 1415335 (VCV001415335.4), dbSNP rs751594566, ClinGen allele CA4942849.
Genomic context (GRCh38, chr8:144,436,068, plus strand): 5'-CAGGCCCCAGCCGGCTCTGAGCACTGCCCACACCCCGGATGGCTGCCTGGTAGGCTGCCC[G>A]GCTGGTGCTGGCTGTGGCTGCTTCCCTGTTGCTGGCGGGGCCAGGCGTCCAGGCTGCCAC-3'
Protein context (NP_038460.4, residues 779-799): NREAATASTS[Arg789Trp]AAYQAAIRGV